The following is an entry in ClinVar:

ClinVar aggregate classification (germline): Likely benign. Review status: criteria provided, multiple submitters, no conflicts (2 of 4 stars). 2 submissions from 2 submitters: Likely benign (2). Last evaluated 2024-04-25.

Allele frequency attached by ClinVar (database versions not stated): TOPMed 0.00010; gnomAD 0.00014; ExAC 0.00015.
gnomAD v4.1: 199 of 1,506,080 alleles (0.013%); highest among the groups gnomAD compares: Non-Finnish European, 0.017%; 1 homozygote.

Submissions (2):

Blueprint Genetics
Classification: Likely benign. Last evaluated: 2024-04-25. Review status: criteria provided, single submitter. Criteria: ACMG Guidelines, 2015. Collection method: clinical testing. Allele origin: germline.

CeGaT Center for Human Genetics Tuebingen
Classification: Likely benign. Last evaluated: 2022-11-01. Review status: criteria provided, single submitter. Criteria: CeGaT Center For Human Genetics Tuebingen Variant Classification Criteria Version 2. Collection method: clinical testing. Allele origin: germline. Affected: yes. Observed: 1 variant allele.
Comment: GRIK2: BP4, BP7

NM_021956.5(GRIK2):c.2563-2515C>T

Gene: GRIK2 (glutamate ionotropic receptor kainate type subunit 2; plus strand). Cytogenetic location: 6q16.3.
Variant type: single nucleotide variant.
Coding change: c.2563-2515C>T on transcript NM_021956.5 (MANE Select); 2515 bases into the intron before coding-DNA position 2563, C replaced by T.
Molecular consequence: intron variant. On other transcripts: synonymous variant (1).
Genome position (GRCh38, 1-based): chr6:102,065,832, C>T. VCF-style: chr6-102065832-C-T. GRCh37 (hg19) VCF-style: chr6-102513707-C-T.
Other names: c.2598C>T, p.Phe866= (NM_001166247.1); c.*39+1784C>T (NM_175768.3).
Identifiers: ClinVar variation 2656797 (VCV002656797.25), dbSNP rs571089078, ClinGen allele CA3939869.